The following is an entry in ClinVar:

NM_153033.5(KCTD7):c.605A>G (p.Tyr202Cys)

Gene: KCTD7 (potassium channel tetramerization domain containing 7; plus strand). Cytogenetic location: 7q11.21.
Variant type: single nucleotide variant.
Coding change: c.605A>G on transcript NM_153033.5 (MANE Select); coding-DNA position 605, A replaced by G.
Protein change: p.Tyr202Cys; replaces tyrosine 202 with cysteine.
Molecular consequence: missense variant.
Genome position (GRCh38, 1-based): chr7:66,638,967, A>G. VCF-style: chr7-66638967-A-G. GRCh37 (hg19) VCF-style: chr7-66103954-A-G.
Other names: c.605A>G, p.Tyr202Cys (NM_001167961.2); short protein forms Y202C.
Identifiers: ClinVar variation 1494975 (VCV001494975.8), dbSNP rs1786649598, ClinGen allele CA367696946.

ClinVar aggregate classification (germline): Uncertain significance (1 of 4 stars; one submission).

Conditions:
Progressive myoclonic epilepsy type 3. Also called: EPILEPSY, PROGRESSIVE MYOCLONIC, 3, WITH OR WITHOUT INTRACELLULAR INCLUSIONS; CEROID LIPOFUSCINOSIS, NEURONAL, 14; KCTD7-Related Progressive Myoclonic Epilepsy; EPILEPSY, PROGRESSIVE MYOCLONIC, 3, WITHOUT INTRACELLULAR INCLUSIONS. Identifiers: Orphanet 263516, MedGen C2673257, MONDO:0012721, OMIM 611726.

Allele frequency attached by ClinVar (database versions not stated): TOPMed below 0.00001.

Submission:

Labcorp Genetics (formerly Invitae), Labcorp
Classification: Uncertain significance for Progressive myoclonic epilepsy type 3. Last evaluated: 2022-07-11. Review status: criteria provided, single submitter. Criteria: Invitae Variant Classification Sherloc (09022015). Collection method: clinical testing. Allele origin: germline.
Comment: In summary, the available evidence is currently insufficient to determine the role of this variant in disease. Therefore, it has been classified as a Variant of Uncertain Significance. Algorithms developed to predict the effect of sequence changes on RNA splicing suggest that this variant may create or strengthen a splice site. This sequence change replaces tyrosine, which is neutral and polar, with cysteine, which is neutral and slightly polar, at codon 202 of the KCTD7 protein (p.Tyr202Cys). This variant is not present in population databases (gnomAD no frequency). This variant has not been reported in the literature in individuals affected with KCTD7-related conditions. ClinVar contains an entry for this variant (Variation ID: 1494975). Algorithms developed to predict the effect of missense changes on protein structure and function (SIFT, PolyPhen-2, Align-GVGD) all suggest that this variant is likely to be disruptive.